The following is an entry in ClinVar:

ClinVar aggregate classification (germline): Uncertain significance (1 of 4 stars; one submission).

Conditions:
Alzheimer disease 3 (AD3). Also called: ALZHEIMER DISEASE, FAMILIAL, 3. Identifiers: Orphanet 1020, MedGen C1843013, MONDO:0011913, OMIM 607822.
Pick disease. Also called: PICK DISEASE OF BRAIN; DEMENTIA WITH LOBAR ATROPHY AND NEURONAL CYTOPLASMIC INCLUSIONS; LOBAR ATROPHY OF BRAIN; Pick's disease; Pick Disease of the Brain. Identifiers: Orphanet 282, MedGen C0236642, MONDO:0008243, OMIM 172700.
Frontotemporal dementia (FTD1). Also called: Frontotemporal Dementia with Parkinsonism-17 (FTDP-17); FRONTOTEMPORAL DEMENTIA WITH PARKINSONISM; FRONTOTEMPORAL LOBE DEMENTIA; MULTIPLE SYSTEM TAUOPATHY WITH PRESENILE DEMENTIA; WILHELMSEN-LYNCH DISEASE; Dementia, frontotemporal, with or without parkinsonism. Identifiers: Orphanet 282, MedGen C0338451, MONDO:0017276, OMIM 600274, HP:0002145.
Acne inversa, familial, 3 (ACNINV3). Identifiers: MedGen C3151038, MONDO:0013398, OMIM 613737.

gnomAD v4.1: 3 of 1,613,840 alleles (0.00019%); highest among the groups gnomAD compares: Non-Finnish European, 0.00025%; no homozygotes.

Submission:

Labcorp Genetics (formerly Invitae), Labcorp
Classification: Uncertain significance for Alzheimer disease 3; Pick disease; Acne inversa, familial, 3; Frontotemporal dementia. Last evaluated: 2023-04-06. Review status: criteria provided, single submitter. Criteria: Invitae Variant Classification Sherloc (09022015). Collection method: clinical testing. Allele origin: germline.
Comment: This variant has not been reported in the literature in individuals affected with PSEN1-related conditions. In summary, the available evidence is currently insufficient to determine the role of this variant in disease. Therefore, it has been classified as a Variant of Uncertain Significance. Algorithms developed to predict the effect of sequence changes on RNA splicing suggest that this variant may disrupt the consensus splice site. This variant is not present in population databases (gnomAD no frequency). This sequence change falls in intron 11 of the PSEN1 gene. It does not directly change the encoded amino acid sequence of the PSEN1 protein.

NM_000021.4(PSEN1):c.1249-6C>A

Gene: PSEN1 (presenilin 1; plus strand). Cytogenetic location: 14q24.2.
Variant type: single nucleotide variant.
Coding change: c.1249-6C>A on transcript NM_000021.4 (MANE Select); 6 bases into the intron before coding-DNA position 1249, C replaced by A.
Molecular consequence: intron variant.
Genome position (GRCh38, 1-based): chr14:73,219,128, C>A. VCF-style: chr14-73219128-C-A. GRCh37 (hg19) VCF-style: chr14-73685836-C-A.
Other names: c.1237-6C>A (NM_007318.3).
Identifiers: ClinVar variation 2931172 (VCV002931172.3), dbSNP rs1412956650, ClinGen allele CA2625561824.